The following is an entry in ClinVar:

NM_001621.5(AHR):c.468G>C (p.Gln156His)

Gene: AHR (aryl hydrocarbon receptor; plus strand). Cytogenetic location: 7p21.1.
Variant type: single nucleotide variant.
Coding change: c.468G>C on transcript NM_001621.5 (MANE Select); coding-DNA position 468, G replaced by C.
Protein change: p.Gln156His; replaces glutamine 156 with histidine.
Molecular consequence: missense variant.
Genome position (GRCh38, 1-based): chr7:17,329,969, G>C. VCF-style: chr7-17329969-G-C. GRCh37 (hg19) VCF-style: chr7-17369593-G-C.
Other names: short protein forms Q156H.
Identifiers: ClinVar variation 1474545 (VCV001474545.8), dbSNP rs2115364009, ClinGen allele CA366891381.

ClinVar aggregate classification (germline): Uncertain significance (1 of 4 stars; one submission).

Submission:

Labcorp Genetics (formerly Invitae), Labcorp
Classification: Uncertain significance. Last evaluated: 2021-04-22. Review status: criteria provided, single submitter. Criteria: Invitae Variant Classification Sherloc (09022015). Collection method: clinical testing. Allele origin: germline.
Comment: In summary, the available evidence is currently insufficient to determine the role of this variant in disease. Therefore, it has been classified as a Variant of Uncertain Significance. Algorithms developed to predict the effect of missense changes on protein structure and function are either unavailable or do not agree on the potential impact of this missense change (SIFT: "Deleterious"; PolyPhen-2: "Possibly Damaging"; Align-GVGD: "Class C15"). This variant has not been reported in the literature in individuals with AHR-related conditions. This variant is not present in population databases (ExAC no frequency). This sequence change replaces glutamine with histidine at codon 156 of the AHR protein (p.Gln156His). The glutamine residue is highly conserved and there is a small physicochemical difference between glutamine and histidine.